The following is an entry in ClinVar:

NM_003664.5(AP3B1):c.1874C>T (p.Thr625Ile)

Gene: AP3B1 (adaptor related protein complex 3 subunit beta 1; minus strand). Cytogenetic location: 5q14.1.
Variant type: single nucleotide variant.
Coding change: c.1874C>T on transcript NM_003664.5 (MANE Select); coding-DNA position 1874, C replaced by T.
Protein change: p.Thr625Ile; replaces threonine 625 with isoleucine.
Molecular consequence: missense variant.
Genome position (GRCh38, 1-based): chr5:78,128,124, G>A on the plus strand (C>T on the coding strand, the complement: AP3B1 is on the minus strand). VCF-style: chr5-78128124-G-A. GRCh37 (hg19) VCF-style: chr5-77423948-G-A.
Other names: c.1727C>T, p.Thr576Ile (NM_001271769.2); c.1874C>T, p.Thr625Ile (NM_001410752.1); short protein forms T576I, T625I.
Identifiers: ClinVar variation 2061895 (VCV002061895.3), dbSNP rs1239457788, ClinGen allele CA360187149.

ClinVar aggregate classification (germline): Uncertain significance (1 of 4 stars; one submission).

Conditions:
Hermansky-Pudlak syndrome 2 (HPS2). Also called: Platelet defects and oculocutaneous albinism. Identifiers: Orphanet 183678, Orphanet 79430, MedGen C1842362, MONDO:0011997, OMIM 608233.

Allele frequency attached by ClinVar (database versions not stated): gnomAD 0.00001.
gnomAD v4.1: 4 of 1,611,960 alleles (0.00025%); highest among the groups gnomAD compares: Admixed American, 0.0017%; no homozygotes.

Submission:

Labcorp Genetics (formerly Invitae), Labcorp
Classification: Uncertain significance for Hermansky-Pudlak syndrome 2. Last evaluated: 2022-03-01. Review status: criteria provided, single submitter. Criteria: Invitae Variant Classification Sherloc (09022015). Collection method: clinical testing. Allele origin: germline.
Comment: Algorithms developed to predict the effect of missense changes on protein structure and function output the following: SIFT: "Tolerated"; PolyPhen-2: "Benign"; Align-GVGD: "Class C0". The isoleucine amino acid residue is found in multiple mammalian species, which suggests that this missense change does not adversely affect protein function. This sequence change replaces threonine, which is neutral and polar, with isoleucine, which is neutral and non-polar, at codon 625 of the AP3B1 protein (p.Thr625Ile). This variant is present in population databases (no rsID available, gnomAD 0.007%). This variant has not been reported in the literature in individuals affected with AP3B1-related conditions. In summary, the available evidence is currently insufficient to determine the role of this variant in disease. Therefore, it has been classified as a Variant of Uncertain Significance.